The following is an entry in ClinVar:

NM_002900.3(RBP3):c.2573C>A (p.Thr858Asn)

Gene: RBP3 (retinol binding protein 3; plus strand). Cytogenetic location: 10q11.22.
Variant type: single nucleotide variant.
Coding change: c.2573C>A on transcript NM_002900.3 (MANE Select); coding-DNA position 2573, C replaced by A.
Protein change: p.Thr858Asn; replaces threonine 858 with asparagine.
Molecular consequence: missense variant.
Genome position (GRCh38, 1-based): chr10:47,351,057, C>A. VCF-style: chr10-47351057-C-A. GRCh37 (hg19) VCF-style: chr10-48388305-G-T.
Other names: short protein forms T858N.
Identifiers: ClinVar variation 1038034 (VCV001038034.8), dbSNP rs1836963870, ClinGen allele CA376673429.

ClinVar aggregate classification (germline): Uncertain significance (1 of 4 stars; one submission).

Allele frequency attached by ClinVar (database versions not stated): gnomAD exomes below 0.00001.
gnomAD v4.1: 1 of 1,611,496 alleles (0.000062%); highest among the groups gnomAD compares: Non-Finnish European, 0.000085%; no homozygotes.

Submission:

Labcorp Genetics (formerly Invitae), Labcorp
Classification: Uncertain significance. Last evaluated: 2022-06-20. Review status: criteria provided, single submitter. Criteria: Invitae Variant Classification Sherloc (09022015). Collection method: clinical testing. Allele origin: germline.
Comment: In summary, the available evidence is currently insufficient to determine the role of this variant in disease. Therefore, it has been classified as a Variant of Uncertain Significance. Algorithms developed to predict the effect of missense changes on protein structure and function are either unavailable or do not agree on the potential impact of this missense change (SIFT: "Deleterious"; PolyPhen-2: "Possibly Damaging"; Align-GVGD: "Class C0"). ClinVar contains an entry for this variant (Variation ID: 1038034). This variant has not been reported in the literature in individuals affected with RBP3-related conditions. This variant is not present in population databases (gnomAD no frequency). This sequence change replaces threonine, which is neutral and polar, with asparagine, which is neutral and polar, at codon 858 of the RBP3 protein (p.Thr858Asn).